The following is an entry in ClinVar:

ClinVar aggregate classification (germline): Uncertain significance (1 of 4 stars; one submission).

Conditions:
Inborn genetic diseases. Identifiers: MedGen C0950123, MeSH D030342.

Submission:

Ambry Genetics
Classification: Uncertain significance for Inborn genetic diseases. Last evaluated: 2024-09-08. Review status: criteria provided, single submitter. Criteria: Ambry Variant Classification Scheme 2023. Collection method: clinical testing. Allele origin: germline.
Comment: The p.N1710D variant (also known as c.5128A>G), located in coding exon 35 of the LRRK2 gene, results from an A to G substitution at nucleotide position 5128. The asparagine at codon 1710 is replaced by aspartic acid, an amino acid with highly similar properties. This amino acid position is conserved. In addition, this alteration is predicted to be tolerated by in silico analysis. Based on the available evidence, the clinical significance of this variant remains unclear.

NM_198578.4(LRRK2):c.5128A>G (p.Asn1710Asp)

Gene: LRRK2 (leucine rich repeat kinase 2; plus strand). Cytogenetic location: 12q12.
Variant type: single nucleotide variant.
Coding change: c.5128A>G on transcript NM_198578.4 (MANE Select); coding-DNA position 5128, A replaced by G.
Protein change: p.Asn1710Asp; replaces asparagine 1710 with aspartic acid.
Molecular consequence: missense variant.
Genome position (GRCh38, 1-based): chr12:40,321,146, A>G. VCF-style: chr12-40321146-A-G. GRCh37 (hg19) VCF-style: chr12-40714948-A-G.
Other names: short protein forms N1710D.
Identifiers: ClinVar variation 3540478 (VCV003540478.1).